The following is an entry in ClinVar:

ClinVar aggregate classification (germline): Uncertain significance (1 of 4 stars; one submission).

Conditions:
Bethlem myopathy 1A. Also called: MYOPATHY, BENIGN CONGENITAL, WITH CONTRACTURES; Bethlem myopathy 1; Bethlem Muscular Dystrophy. Identifiers: Orphanet 610, MedGen CN029274, MONDO:0024530, OMIM 158810.

Allele frequency attached by ClinVar (database versions not stated): gnomAD exomes below 0.00001.
gnomAD v4.1: 2 of 1,602,464 alleles (0.00012%); highest among the groups gnomAD compares: Non-Finnish European, 0.00017%; no homozygotes.

Submission:

Labcorp Genetics (formerly Invitae), Labcorp
Classification: Uncertain significance for Bethlem myopathy 1A. Last evaluated: 2025-12-16. Review status: criteria provided, single submitter. Criteria: Invitae Variant Classification Sherloc (09022015). Collection method: clinical testing. Allele origin: germline.
Comment: This sequence change replaces lysine, which is basic and polar, with asparagine, which is neutral and polar, at codon 796 of the COL6A2 protein (p.Lys796Asn). This variant is not present in population databases (gnomAD no frequency). This variant has not been reported in the literature in individuals affected with COL6A2-related conditions. ClinVar contains an entry for this variant (Variation ID: 1513282). Invitae Evidence Modeling of protein sequence and biophysical properties (such as structural, functional, and spatial information, amino acid conservation, physicochemical variation, residue mobility, and thermodynamic stability) indicates that this missense variant is not expected to disrupt COL6A2 protein function with a negative predictive value of 80%. In summary, the available evidence is currently insufficient to determine the role of this variant in disease. Therefore, it has been classified as a Variant of Uncertain Significance.

NM_001849.4(COL6A2):c.2388G>T (p.Lys796Asn)

Gene: COL6A2 (collagen type VI alpha 2 chain; plus strand). Cytogenetic location: 21q22.3.
Variant type: single nucleotide variant.
Coding change: c.2388G>T on transcript NM_001849.4 (MANE Select); coding-DNA position 2388, G replaced by T.
Protein change: p.Lys796Asn; replaces lysine 796 with asparagine.
Molecular consequence: missense variant.
Genome position (GRCh38, 1-based): chr21:46,126,203, G>T. VCF-style: chr21-46126203-G-T. GRCh37 (hg19) VCF-style: chr21-47546117-G-T.
Other names: c.2388G>T, p.Lys796Asn (NM_058174.3, NM_058175.3); short protein forms K796N.
Identifiers: ClinVar variation 1513282 (VCV001513282.8), dbSNP rs1312736604, ClinGen allele CA410542968.